The following is an entry in ClinVar:

ClinVar aggregate classification (germline): Uncertain significance (1 of 4 stars; one submission).

Conditions:
Developmental and epileptic encephalopathy, 32 (DEE32). Also called: Epileptic encephalopathy, early infantile, 32. Identifiers: Orphanet 442835, MedGen C4225350, MONDO:0014607, OMIM 616366.

Allele frequency attached by ClinVar (database versions not stated): gnomAD exomes below 0.00001; TOPMed below 0.00001.
gnomAD v4.1: 6 of 1,614,026 alleles (0.00037%); highest among the groups gnomAD compares: South Asian, 0.0066%; no homozygotes.

Submission:

Labcorp Genetics (formerly Invitae), Labcorp
Classification: Uncertain significance for Developmental and epileptic encephalopathy, 32. Last evaluated: 2024-11-24. Review status: criteria provided, single submitter. Criteria: Invitae Variant Classification Sherloc (09022015). Collection method: clinical testing. Allele origin: germline.
Comment: This sequence change replaces glutamic acid, which is acidic and polar, with aspartic acid, which is acidic and polar, at codon 355 of the KCNA2 protein (p.Glu355Asp). This variant is present in population databases (no rsID available, gnomAD 0.003%). This variant has not been reported in the literature in individuals affected with KCNA2-related conditions. ClinVar contains an entry for this variant (Variation ID: 1038969). Invitae Evidence Modeling of protein sequence and biophysical properties (such as structural, functional, and spatial information, amino acid conservation, physicochemical variation, residue mobility, and thermodynamic stability) indicates that this missense variant is not expected to disrupt KCNA2 protein function with a negative predictive value of 95%. In summary, the available evidence is currently insufficient to determine the role of this variant in disease. Therefore, it has been classified as a Variant of Uncertain Significance.

NM_004974.4(KCNA2):c.1065G>T (p.Glu355Asp)

Gene: KCNA2 (potassium voltage-gated channel subfamily A member 2; minus strand). Cytogenetic location: 1p13.3.
Variant type: single nucleotide variant.
Coding change: c.1065G>T on transcript NM_004974.4 (MANE Select); coding-DNA position 1065, G replaced by T.
Protein change: p.Glu355Asp; replaces glutamic acid 355 with aspartic acid.
Molecular consequence: missense variant. On other transcripts: intron variant (1).
Genome position (GRCh38, 1-based): chr1:110,603,718, C>A on the plus strand (G>T on the coding strand, the complement: KCNA2 is on the minus strand). VCF-style: chr1-110603718-C-A. GRCh37 (hg19) VCF-style: chr1-111146340-C-A.
Other names: c.894+171G>T (NM_001204269.2); short protein forms E355D.
Identifiers: ClinVar variation 1038969 (VCV001038969.9), dbSNP rs1308544471, ClinGen allele CA341602066.